The following is an entry in ClinVar:

ClinVar aggregate classification (germline): Uncertain significance (1 of 4 stars; one submission).

Allele frequency attached by ClinVar (database versions not stated): gnomAD exomes 0.00002.
gnomAD v4.1: 27 of 1,614,180 alleles (0.0017%); highest among the groups gnomAD compares: Non-Finnish European, 0.0022%; no homozygotes.

Submission:

Labcorp Genetics (formerly Invitae), Labcorp
Classification: Uncertain significance. Last evaluated: 2022-08-11. Review status: criteria provided, single submitter. Criteria: Invitae Variant Classification Sherloc (09022015). Collection method: clinical testing. Allele origin: germline.
Comment: In summary, the available evidence is currently insufficient to determine the role of this variant in disease. Therefore, it has been classified as a Variant of Uncertain Significance. Algorithms developed to predict the effect of missense changes on protein structure and function (SIFT, PolyPhen-2, Align-GVGD) all suggest that this variant is likely to be tolerated. This variant has not been reported in the literature in individuals affected with TACO1-related conditions. This variant is not present in population databases (gnomAD no frequency). This sequence change replaces proline, which is neutral and non-polar, with serine, which is neutral and polar, at codon 271 of the TACO1 protein (p.Pro271Ser).

NM_016360.4(TACO1):c.811C>T (p.Pro271Ser)

Gene: TACO1 (translational activator of cytochrome c oxidase I; plus strand). Cytogenetic location: 17q23.3.
Variant type: single nucleotide variant.
Coding change: c.811C>T on transcript NM_016360.4 (MANE Select); coding-DNA position 811, C replaced by T.
Protein change: p.Pro271Ser; replaces proline 271 with serine.
Molecular consequence: missense variant.
Genome position (GRCh38, 1-based): chr17:63,607,919, C>T. VCF-style: chr17-63607919-C-T. GRCh37 (hg19) VCF-style: chr17-61685279-C-T.
Other names: short protein forms P271S.
Identifiers: ClinVar variation 1937755 (VCV001937755.5), dbSNP rs767318381, ClinGen allele CA292910067.